The following is an entry in ClinVar:

NM_007055.4(POLR3A):c.*1853C>T

Gene: POLR3A (RNA polymerase III subunit A; minus strand). Cytogenetic location: 10q22.3.
Variant type: single nucleotide variant.
Coding change: c.*1853C>T on transcript NM_007055.4 (MANE Select); 1853 bases downstream of the stop codon, C replaced by T.
Molecular consequence: 3 prime UTR variant.
Genome position (GRCh38, 1-based): chr10:77,975,625, G>A on the plus strand (C>T on the coding strand, the complement: POLR3A is on the minus strand). VCF-style: chr10-77975625-G-A. GRCh37 (hg19) VCF-style: chr10-79735383-G-A.
Identifiers: ClinVar variation 300995 (VCV000300995.5), dbSNP rs11002351, ClinGen allele CA10632366.

ClinVar aggregate classification (germline): Benign (1 of 4 stars; one submission).

Conditions:
Leukodystrophy, hypomyelinating, 7, with or without oligodontia and/or hypogonadotropic hypogonadism (HLD7). Also called: LEUKOENCEPHALOPATHY, HYPOMYELINATING, WITH ATAXIA AND DELAYED DENTITION; ATAXIA, DELAYED DENTITION, AND HYPOMYELINATION; LEUKODYSTROPHY, HYPOMYELINATING, 7, WITH OLIGODONTIA; LEUKODYSTROPHY, HYPOMYELINATING, 7, WITH OLIGODONTIA AND HYPOGONADOTROPIC HYPOGONADISM; LEUKODYSTROPHY, HYPOMYELINATING, 7, WITHOUT OLIGODONTIA OR HYPOGONADOTROPIC HYPOGONADISM; Ataxia, Delayed Dentition and Hypomyelination (ADDH). Identifiers: Orphanet 137639, Orphanet 447893, Orphanet 447896, Orphanet 77295, Orphanet 88637, MedGen CN034185, MONDO:0011897, OMIM 607694.

Allele frequency attached by ClinVar (database versions not stated): 1000 Genomes Project 0.01158; gnomAD 0.01238 and 0.01315; 1000 Genomes Project 30x 0.01296; TOPMed 0.01359.

Submission:

Illumina Laboratory Services, Illumina
Classification: Benign for Leukodystrophy, hypomyelinating, 7, with or without oligodontia and/or hypogonadotropic hypogonadism. Last evaluated: 2018-01-12. Review status: criteria provided, single submitter. Criteria: ICSL Variant Classification Criteria 13 December 2019. Collection method: clinical testing. Allele origin: germline.
Comment: This variant was observed in the ICSL laboratory as part of a predisposition screen in an ostensibly healthy population. It had not been previously curated by ICSL or reported in the Human Gene Mutation Database (HGMD: prior to June 1st, 2018), and was therefore a candidate for classification through an automated scoring system. Utilizing variant allele frequency, disease prevalence and penetrance estimates, and inheritance mode, an automated score was calculated to assess if this variant is too frequent to cause the disease. Based on the score and internal cut-off values, a variant classified as benign is not then subjected to further curation. The score for this variant resulted in a classification of benign for this disease.